The following is an entry in ClinVar:

ClinVar aggregate classification (germline): Likely benign (1 of 4 stars; one submission).

Conditions:
Developmental delay with variable intellectual disability and dysmorphic facies. Identifiers: MedGen C5774242, MONDO:0859306, OMIM 620098.

Submission:

Centre for Medical Genetics,  Mumbai
Classification: Likely benign for Developmental delay with variable intellectual disability and dysmorphic facies. Last evaluated: 2026-04-13. Review status: criteria provided, single submitter. Criteria: ACMG Guidelines, 2015. Collection method: provider interpretation. Allele origin: germline. Inheritance: Autosomal dominant inheritance. Affected: no. Observed: 1 variant allele, 1 heterozygote.
Comment: The variant satisfies PM2 criteria - extremely low frequency in gnomAD population databases. However, the variant satisfies BS2 criteria - present in heterozygous state in an individual that clinically does not have developmental delay with variable intellectual disability and dysmorphic facies.

Literature cited by the submitters: PubMed 23294540.

NM_004973.4(JARID2):c.2261T>C (p.Phe754Ser)

Gene: JARID2 (jumonji and AT-rich interaction domain containing 2; plus strand). Cytogenetic location: 6p22.3.
Variant type: single nucleotide variant.
Coding change: c.2261T>C on transcript NM_004973.4 (MANE Select); coding-DNA position 2261, T replaced by C.
Protein change: p.Phe754Ser; replaces phenylalanine 754 with serine.
Molecular consequence: missense variant.
Genome position (GRCh38, 1-based): chr6:15,501,222, T>C. VCF-style: chr6-15501222-T-C. GRCh37 (hg19) VCF-style: chr6-15501453-T-C.
Other names: c.1745T>C, p.Phe582Ser (NM_001267040.1); short protein forms F582S, F754S.
Identifiers: ClinVar variation 4851374 (VCV004851374.1).